The following is an entry in ClinVar:

NM_005422.4(TECTA):c.4711G>C (p.Val1571Leu)

Genes: TBCEL-TECTA (TBCEL-TECTA readthrough; plus strand), TECTA (tectorin alpha; plus strand). Cytogenetic location: 11q23.3.
Variant type: single nucleotide variant.
Coding change: c.4711G>C on transcript NM_005422.4 (MANE Select); coding-DNA position 4711, G replaced by C.
Protein change: p.Val1571Leu; replaces valine 1571 with leucine.
Molecular consequence: missense variant.
Genome position (GRCh38, 1-based): chr11:121,160,156, G>C. VCF-style: chr11-121160156-G-C. GRCh37 (hg19) VCF-style: chr11-121030865-G-C.
Other names: c.5668G>C, p.Val1890Leu (NM_001378761.1); short protein forms V1571L, V1890L.
Identifiers: ClinVar variation 4983970 (VCV004983970.1).
Genomic context (GRCh38, chr11:121,160,156, plus strand): 5'-CTCTAAGCGTAATTATTTTCTTTTTTCCTCCTCCAATAGGTGAATGGCACACAAGTGAAT[G>C]TTCCATTTATAACTGGTTTGGCAACCAAAATCTACAGCAGTGAGGGGTTTCTGGTGATTG-3'
Protein context (NP_005413.2, residues 1561-1581): TVKVNGTQVN[Val1571Leu]PFITGLATKI

ClinVar aggregate classification (germline): Uncertain significance (1 of 4 stars; one submission).

Conditions:
TECTA-related disorder. Also called: TECTA-related condition.

gnomAD v4.1: 4 of 1,614,202 alleles (0.00025%); highest among the groups gnomAD compares: Non-Finnish European, 0.00025%; no homozygotes.

Submission:

PreventionGenetics, part of Exact Sciences
Classification: Uncertain significance for TECTA-related condition. Last evaluated: 2026-09-02. Review status: criteria provided, single submitter. Criteria: ACMG Guidelines, 2015. Collection method: clinical testing. Allele origin: germline.
Comment: The TECTA c.4711G>C variant is predicted to result in the amino acid substitution p.Val1571Leu. To our knowledge, this variant has not been reported in the literature or in a large population database (gnomAD), indicating this variant is rare. At this time, the clinical significance of this variant is uncertain due to the absence of conclusive functional and genetic evidence.